The following is an entry in ClinVar:

NM_024675.4(PALB2):c.2180C>T (p.Ala727Val)

Gene: PALB2 (partner and localizer of BRCA2; minus strand). Cytogenetic location: 16p12.2.
Variant type: single nucleotide variant.
Coding change: c.2180C>T on transcript NM_024675.4 (MANE Select); coding-DNA position 2180, C replaced by T.
Protein change: p.Ala727Val; replaces alanine 727 with valine.
Molecular consequence: missense variant.
Genome position (GRCh38, 1-based): chr16:23,629,974, G>A on the plus strand (C>T on the coding strand, the complement: PALB2 is on the minus strand). VCF-style: chr16-23629974-G-A. GRCh37 (hg19) VCF-style: chr16-23641295-G-A.
Other names: c.2120C>T, p.Ala707Val (NM_001407296.1); c.2180C>T, p.Ala727Val (NM_001407297.1, NM_001407298.1, NM_001407299.1 and 3 more transcripts); c.1295C>T, p.Ala432Val (NM_001407304.1, NM_001407305.1, NM_001407306.1 and 5 more transcripts); c.392C>T, p.Ala131Val (NM_001407312.1, NM_001407313.1); short protein forms A131V, A432V, A707V, A727V.
Identifiers: ClinVar variation 2150992 (VCV002150992.3), dbSNP rs2142378959, ClinGen allele CA395125631.
Genomic context (GRCh38, chr16:23,629,974, plus strand): 5'-GATGCTTTTTCATAGGAGCCTTGAGGGCCAAAGGCTGGAGTAGTACCTAAGATGGGGAAA[G>A]CAGGTGAACACATGTCTGTGGTAGGCCTGTCATTATCATCAGGCGCAACCGTATTTAAAG-3'
Protein context (NP_078951.2, residues 717-737): DRPTTDMCSP[Ala727Val]FPILGTTPAF

ClinVar aggregate classification (germline): Uncertain significance (1 of 4 stars; one submission).

Conditions:
Familial cancer of breast. Also called: hereditary breast carcinoma; BREAST CANCER, FAMILIAL; Hereditary breast cancer. Identifiers: Orphanet 227535, MedGen C0346153, MONDO:0016419, OMIM 114480. Disease mechanism: loss of function.

Allele frequency attached by ClinVar (database versions not stated): gnomAD exomes below 0.00001.
gnomAD v4.1: 3 of 1,614,222 alleles (0.00019%); highest among the groups gnomAD compares: Non-Finnish European, 0.00025%; no homozygotes.

Submission:

Labcorp Genetics (formerly Invitae), Labcorp
Classification: Uncertain significance for Familial cancer of breast. Last evaluated: 2025-01-23. Review status: criteria provided, single submitter. Criteria: Invitae Variant Classification Sherloc (09022015). Collection method: clinical testing. Allele origin: germline.
Comment: This sequence change replaces alanine, which is neutral and non-polar, with valine, which is neutral and non-polar, at codon 727 of the PALB2 protein (p.Ala727Val). This variant is not present in population databases (gnomAD no frequency). This variant has not been reported in the literature in individuals affected with PALB2-related conditions. ClinVar contains an entry for this variant (Variation ID: 2150992). Invitae Evidence Modeling of protein sequence and biophysical properties (such as structural, functional, and spatial information, amino acid conservation, physicochemical variation, residue mobility, and thermodynamic stability) indicates that this missense variant is not expected to disrupt PALB2 protein function with a negative predictive value of 80%. In summary, the available evidence is currently insufficient to determine the role of this variant in disease. Therefore, it has been classified as a Variant of Uncertain Significance.